The following is an entry in ClinVar:

ClinVar aggregate classification (germline): Uncertain significance. Review status: criteria provided, multiple submitters, no conflicts (2 of 4 stars). 2 submissions from 2 submitters: Uncertain significance (2). Last evaluated 2025-03-22.

Conditions:
Inborn genetic diseases. Identifiers: MedGen C0950123, MeSH D030342.

Allele frequency attached by ClinVar (database versions not stated): gnomAD exomes below 0.00001; ExAC 0.00001; TOPMed 0.00001.
gnomAD v4.1: 5 of 1,614,108 alleles (0.00031%); highest among the groups gnomAD compares: Non-Finnish European, 0.00042%; no homozygotes.

Submissions (2):

Ambry Genetics
Classification: Uncertain significance for Inborn genetic diseases. Last evaluated: 2025-03-22. Review status: criteria provided, single submitter. Criteria: Ambry Variant Classification Scheme 2023. Collection method: clinical testing. Allele origin: germline.

Labcorp Genetics (formerly Invitae), Labcorp
Classification: Uncertain significance. Last evaluated: 2023-04-26. Review status: criteria provided, single submitter. Criteria: Invitae Variant Classification Sherloc (09022015). Collection method: clinical testing. Allele origin: germline.
Comment: In summary, the available evidence is currently insufficient to determine the role of this variant in disease. Therefore, it has been classified as a Variant of Uncertain Significance. Advanced modeling of protein sequence and biophysical properties (such as structural, functional, and spatial information, amino acid conservation, physicochemical variation, residue mobility, and thermodynamic stability) performed at Invitae indicates that this missense variant is expected to disrupt GRIN2D protein function. ClinVar contains an entry for this variant (Variation ID: 1929078). This variant has not been reported in the literature in individuals affected with GRIN2D-related conditions. This variant is present in population databases (rs762071940, gnomAD 0.0009%). This sequence change replaces proline, which is neutral and non-polar, with serine, which is neutral and polar, at codon 707 of the GRIN2D protein (p.Pro707Ser).

NM_000836.4(GRIN2D):c.2119C>T (p.Pro707Ser)

Gene: GRIN2D (glutamate ionotropic receptor NMDA type subunit 2D; plus strand). Cytogenetic location: 19q13.33.
Variant type: single nucleotide variant.
Coding change: c.2119C>T on transcript NM_000836.4 (MANE Select); coding-DNA position 2119, C replaced by T.
Protein change: p.Pro707Ser; replaces proline 707 with serine.
Molecular consequence: missense variant.
Genome position (GRCh38, 1-based): chr19:48,421,812, C>T. VCF-style: chr19-48421812-C-T. GRCh37 (hg19) VCF-style: chr19-48925069-C-T.
Other names: c.2119C>T (NM_000836.2); short protein forms P707S.
Identifiers: ClinVar variation 1929078 (VCV001929078.6), dbSNP rs762071940, ClinGen allele CA9550668.